The following is an entry in ClinVar:

NM_000088.4(COL1A1):c.1814del (p.Gly605fs)

Gene: COL1A1 (collagen type I alpha 1 chain; minus strand). Cytogenetic location: 17q21.33.
Variant type: Deletion.
Coding change: c.1814del on transcript NM_000088.4 (MANE Select); coding-DNA position 1814, one base deleted (G; older notation c.1814delG).
Protein change: p.Gly605fs; shifts the reading frame from glycine 605.
Molecular consequence: frameshift variant.
Genome position (GRCh38, 1-based): chr17:50,193,001, C deleted on the plus strand (G on the coding strand, the reverse complement: COL1A1 is on the minus strand); the first of 2 consecutive C bases (chr17:50,193,001-50,193,002); deleting either gives the same sequence. VCF-style (leftmost placement, unchanged base first): chr17-50193000-GC-G. GRCh37 (hg19) VCF-style: chr17-48270361-GC-G.
Other names: c.1814delG (NM_000088.4); short protein forms G605fs.
Identifiers: ClinVar variation 4280692 (VCV004280692.1).

ClinVar aggregate classification (germline): Pathogenic (1 of 4 stars; one submission).

Conditions:
Osteogenesis imperfecta type I (OI1). Also called: OI, TYPE I; OSTEOGENESIS IMPERFECTA TARDA; OSTEOGENESIS IMPERFECTA WITH BLUE SCLERAE; Osteogenesis imperfecta type 1; Lobstein's Disease; Lobstein disease. Identifiers: Orphanet 216796, Orphanet 666, MedGen C0023931, MONDO:0008146, OMIM 166200. Disease mechanism: loss of function.

Submission:

Laboratory of Genetic Skeletal Anomaly, Seoul National University Children's Hospital
Classification: Pathogenic for Osteogenesis imperfecta type I. Last evaluated: 2025-03-01. Review status: criteria provided, single submitter. Criteria: ACMG Guidelines, 2015. Collection method: research. Allele origin: germline. Affected: yes.
Comment: This variant is a novel variant not previously reported in the literature or population databases. It was classified based on available in silico predictions and absence from gnomAD.